The following is an entry in ClinVar:

ClinVar aggregate classification (germline): Uncertain significance (1 of 4 stars; one submission).

Conditions:
X-linked lymphoproliferative disease due to SH2D1A deficiency (XLP1). Also called: SH2D1A-Related Lymphoproliferative Disease, X-Linked; DUNCAN DISEASE; IMMUNODEFICIENCY 5; IMMUNODEFICIENCY, X-LINKED PROGRESSIVE COMBINED VARIABLE; INFECTIOUS MONONUCLEOSIS, SEVERE, SUSCEPTIBILITY TO; PURTILO SYNDROME. Identifiers: Orphanet 2442, Orphanet 538931, MedGen C5399825, MONDO:0024551, OMIM 308240.

Submission:

Labcorp Genetics (formerly Invitae), Labcorp
Classification: Uncertain significance for X-linked lymphoproliferative disease due to SH2D1A deficiency. Last evaluated: 2024-02-10. Review status: criteria provided, single submitter. Criteria: Invitae Variant Classification Sherloc (09022015). Collection method: clinical testing. Allele origin: germline.
Comment: This sequence change affects codon 46 of the SH2D1A mRNA. It is a 'silent' change, meaning that it does not change the encoded amino acid sequence of the SH2D1A protein. It affects a nucleotide within the consensus splice site. This variant is not present in population databases (gnomAD no frequency). This variant has not been reported in the literature in individuals affected with SH2D1A-related conditions. Algorithms developed to predict the effect of sequence changes on RNA splicing suggest that this variant may disrupt the consensus splice site. In summary, the available evidence is currently insufficient to determine the role of this variant in disease. Therefore, it has been classified as a Variant of Uncertain Significance.

NM_002351.5(SH2D1A):c.138G>C (p.Leu46=)

Gene: SH2D1A (SH2 domain containing 1A; plus strand). Cytogenetic location: Xq25.
Variant type: single nucleotide variant.
Coding change: c.138G>C on transcript NM_002351.5 (MANE Select); coding-DNA position 138, G replaced by C.
Protein change: p.Leu46=; no amino-acid change (leucine 46 retained).
Molecular consequence: synonymous variant.
Genome position (GRCh38, 1-based): chrX:124,365,761, G>C. VCF-style: chrX-124365761-G-C. GRCh37 (hg19) VCF-style: chrX-123499611-G-C.
Other names: c.138G>C, p.Leu46= (NM_001114937.3).
Identifiers: ClinVar variation 3637347 (VCV003637347.2).